The following is an entry in ClinVar:

NM_020944.3(GBA2):c.2702C>G (p.Pro901Arg)

Gene: GBA2 (glucosylceramidase beta 2; minus strand). Cytogenetic location: 9p13.3.
Variant type: single nucleotide variant.
Coding change: c.2702C>G on transcript NM_020944.3 (MANE Select); coding-DNA position 2702, C replaced by G.
Protein change: p.Pro901Arg; replaces proline 901 with arginine.
Molecular consequence: missense variant. On other transcripts: 3 prime UTR variant (1).
Genome position (GRCh38, 1-based): chr9:35,737,251, G>C on the plus strand (C>G on the coding strand, the complement: GBA2 is on the minus strand). VCF-style: chr9-35737251-G-C. GRCh37 (hg19) VCF-style: chr9-35737248-G-C.
Other names: c.*225C>G (NM_001330660.2); short protein forms P901R.
Identifiers: ClinVar variation 653339 (VCV000653339.1), dbSNP rs754527190, ClinGen allele CA5050022.
Genomic context (GRCh38, chr9:35,737,251, plus strand): 5'-ATGGCTTCCTTTGGTCCAAACATAGGCCCTGTCCTTAGTCCTGTGCCCTGTTTGACTTTT[G>C]GCCAGGAGGCCTTTTTGTGCTGCTGCTGTTGCAGGGCTAGCTGCATGGCCCATATGCTCA-3'
Protein context (NP_065995.1, residues 891-911): QQQQHKKASW[Pro901Arg]KVKQGTGLRT

ClinVar aggregate classification (germline): Uncertain significance (1 of 4 stars; one submission).

Conditions:
Spastic paraplegia. Identifiers: MedGen C0037772, HP:0001258.

Allele frequency attached by ClinVar (database versions not stated): gnomAD exomes below 0.00001 and 0.00001; ExAC 0.00001.
gnomAD v4.1: 4 of 1,613,838 alleles (0.00025%); highest among the groups gnomAD compares: East Asian, 0.0089%; no homozygotes.

Submission:

Labcorp Genetics (formerly Invitae), Labcorp
Classification: Uncertain significance for Spastic paraplegia. Last evaluated: 2018-09-11. Review status: criteria provided, single submitter. Criteria: Invitae Variant Classification Sherloc (09022015). Collection method: clinical testing. Allele origin: germline.
Comment: This sequence change replaces proline with arginine at codon 901 of the GBA2 protein (p.Pro901Arg). The proline residue is weakly conserved and there is a moderate physicochemical difference between proline and arginine. This variant is present in population databases (rs754527190, ExAC 0.01%). This variant has not been reported in the literature in individuals with GBA2-related disease. Algorithms developed to predict the effect of missense changes on protein structure and function (SIFT, PolyPhen-2, Align-GVGD) all suggest that this variant is likely to be tolerated, but these predictions have not been confirmed by published functional studies and their clinical significance is uncertain. In summary, the available evidence is currently insufficient to determine the role of this variant in disease. Therefore, it has been classified as a Variant of Uncertain Significance.